The following is an entry in ClinVar:

NM_007294.4(BRCA1):c.5110T>A (p.Phe1704Ile)

Gene: BRCA1 (BRCA1 DNA repair associated; minus strand). Cytogenetic location: 17q21.31.
Variant type: single nucleotide variant.
Coding change: c.5110T>A on transcript NM_007294.4 (MANE Select); coding-DNA position 5110, T replaced by A.
Protein change: p.Phe1704Ile; replaces phenylalanine 1704 with isoleucine.
Molecular consequence: missense variant. On other transcripts: non-coding transcript variant (1).
Genome position (GRCh38, 1-based): chr17:43,063,916, A>T on the plus strand (T>A on the coding strand, the complement: BRCA1 is on the minus strand). VCF-style: chr17-43063916-A-T. GRCh37 (hg19) VCF-style: chr17-41215933-A-T.
Other names: c.4969T>A, p.Phe1657Ile (NM_001407727.1, NM_001407728.1, NM_001407729.1 and 13 more transcripts); c.4966T>A, p.Phe1656Ile (NM_001407732.1, NM_001407733.1, NM_001407744.1 and 21 more transcripts); c.4963T>A, p.Phe1655Ile (NM_001407849.1, NM_001407850.1, NM_001407851.1 and 12 more transcripts); c.5110T>A, p.Phe1704Ile (NM_001407854.1, NM_001407593.1, NM_001407594.1 and 7 more transcripts); c.5107T>A, p.Phe1703Ile (NM_001407858.1, NM_001407859.1, NM_001407860.1 and 17 more transcripts); c.4900T>A, p.Phe1634Ile (NM_001407887.1, NM_001407889.1, NM_001407879.1 and 5 more transcripts); c.4897T>A, p.Phe1633Ile (NM_001407894.1, NM_001407895.1, NM_001407896.1 and 12 more transcripts); c.4894T>A, p.Phe1632Ile (NM_001407918.1, NM_001407915.1, NM_001407916.1 and 1 more transcripts); and 71 more; short protein forms F1657I, F1704I, F600I, F1725I, F1408I, F1575I, F1592I, F1616I.
Identifiers: ClinVar variation 864963 (VCV000864963.8), dbSNP rs1555578599, ClinGen allele CA10591311.

ClinVar aggregate classification (germline): Conflicting classifications of pathogenicity. Review status: criteria provided, conflicting classifications (1 of 4 stars). 3 submissions from 3 submitters: Likely pathogenic (1); Uncertain significance (2). Last evaluated 2025-02-18.

Conditions:
Hereditary cancer-predisposing syndrome. Also called: Tumor predisposition; Hereditary Cancer Syndrome; Hereditary neoplastic syndrome; Neoplastic Syndromes, Hereditary. Identifiers: Orphanet 140162, MedGen C0027672, MeSH D009386, MONDO:0015356.
Hereditary breast ovarian cancer syndrome. Also called: Hereditary breast and/or ovarian cancer syndrome; BRCA1- and BRCA2-Associated Hereditary Breast and Ovarian Cancer; Hereditary breast and ovarian cancer syndrome; Hereditary breast and ovarian cancer; Hereditary breast and ovarian cancer syndrome (HBOC); Breast and ovarian cancer. Identifiers: Orphanet 145, MedGen C0677776, MeSH D061325, MONDO:0003582. Disease mechanism: loss of function.

Submissions (4):

Ambry Genetics
Classification: Likely pathogenic for Hereditary cancer-predisposing syndrome. Last evaluated: 2025-02-18. Review status: criteria provided, single submitter. Criteria: Ambry Variant Classification Scheme 2023. Collection method: clinical testing. Allele origin: germline.
Comment: The p.F1704I variant (also known as c.5110T>A), located in coding exon 16 of the BRCA1 gene, results from a T to A substitution at nucleotide position 5110. The phenylalanine at codon 1704 is replaced by isoleucine, an amino acid with highly similar properties. One functional study found that this nucleotide substitution is non-functional in a high throughput genome editing haploid cell survival assay (Findlay GM et al. Nature, 2018 Oct;562:217-222). This amino acid position is highly conserved in available vertebrate species. In addition, this alteration is predicted to be deleterious by in silico analysis. Based on the majority of available evidence to date, this variant is likely to be pathogenic.

Labcorp Genetics (formerly Invitae), Labcorp
Classification: Uncertain significance for Hereditary breast ovarian cancer syndrome. Last evaluated: 2023-07-31. Review status: criteria provided, single submitter. Criteria: Invitae Variant Classification Sherloc (09022015). Collection method: clinical testing. Allele origin: germline.
Comment: This sequence change replaces phenylalanine, which is neutral and non-polar, with isoleucine, which is neutral and non-polar, at codon 1704 of the BRCA1 protein (p.Phe1704Ile). This variant is not present in population databases (gnomAD no frequency). In summary, the available evidence is currently insufficient to determine the role of this variant in disease. Therefore, it has been classified as a Variant of Uncertain Significance. Advanced modeling performed at Invitae incorporating data from internal and/or published experimental studies (PMID: 30209399) indicates that this missense variant is expected to disrupt BRCA1 function. ClinVar contains an entry for this variant (Variation ID: 864963). This variant has not been reported in the literature in individuals affected with BRCA1-related conditions.

GeneDx
Classification: Uncertain significance. Last evaluated: 2019-08-09. Review status: criteria provided, single submitter. Criteria: GeneDx Variant Classification Process June 2021. Collection method: clinical testing. Allele origin: germline. Affected: yes.
Comment: Published functional studies demonstrate a damaging effect: non-functional based on a saturation genome editing (SGE) assay measuring survival in a haploid cell line (Findlay 2018); Not observed in large population cohorts (Lek 2016); In silico analysis, which includes protein predictors and evolutionary conservation, supports a deleterious effect; Also known as BRCA2 5229T>A; This variant is associated with the following publications: (PMID: 30209399)

Brotman Baty Institute, University of Washington
No classification provided (evidence only). Condition: Breast-ovarian cancer, familial 1. Review status: no classification provided. Collection method: in vitro. Allele origin: not applicable. Functional consequence: functionally_abnormal. Not counted in ClinVar's aggregate classification.
ClinVar note: "not provided" was previously submitted as the classification for the variant. However, the classification appeared to be based only on an observation of functional data so it was converted to no classification on 2025-07-30.

Literature cited by the submitters: PubMed 30209399 (cited by Ambry Genetics and Labcorp Genetics (formerly Invitae), Labcorp).